The following is an entry in ClinVar:

NM_144585.4(SLC22A12):c.1330G>A (p.Gly444Arg)

Gene: SLC22A12 (solute carrier family 22 member 12; plus strand). Cytogenetic location: 11q13.1.
Variant type: single nucleotide variant.
Coding change: c.1330G>A on transcript NM_144585.4 (MANE Select); coding-DNA position 1330, G replaced by A.
Protein change: p.Gly444Arg; replaces glycine 444 with arginine.
Molecular consequence: missense variant.
Genome position (GRCh38, 1-based): chr11:64,600,411, G>A. VCF-style: chr11-64600411-G-A. GRCh37 (hg19) VCF-style: chr11-64367883-G-A.
Other names: c.1228G>A, p.Gly410Arg (NM_001276326.2); c.1006G>A, p.Gly336Arg (NM_001276327.2); c.667G>A, p.Gly223Arg (NM_153378.3); short protein forms G410R, G336R, G223R, G444R.
Identifiers: ClinVar variation 2735637 (VCV002735637.3), dbSNP rs774595470, ClinGen allele CA6077409.

ClinVar aggregate classification (germline): Uncertain significance (1 of 4 stars; one submission).

Allele frequency attached by ClinVar (database versions not stated): ExAC 0.00006; TOPMed 0.00011; gnomAD 0.00011.
gnomAD v4.1: 90 of 1,607,768 alleles (0.0056%); highest among the groups gnomAD compares: Middle Eastern, 0.016%; no homozygotes.

Submission:

Labcorp Genetics (formerly Invitae), Labcorp
Classification: Uncertain significance. Last evaluated: 2025-08-21. Review status: criteria provided, single submitter. Criteria: Invitae Variant Classification Sherloc (09022015). Collection method: clinical testing. Allele origin: germline.
Comment: This sequence change replaces glycine, which is neutral and non-polar, with arginine, which is basic and polar, at codon 444 of the SLC22A12 protein (p.Gly444Arg). This variant is present in population databases (rs774595470, gnomAD 0.02%). This missense change has been observed in individual(s) with renal hypouricemia (PMID: 21148271). ClinVar contains an entry for this variant (Variation ID: 2735637). An algorithm developed to predict the effect of missense changes on protein structure and function outputs the following: PolyPhen-2: "Benign". The arginine amino acid residue is found in multiple mammalian species, which suggests that this missense change does not adversely affect protein function. Experimental studies have shown that this missense change affects SLC22A12 function (PMID: 21148271). In summary, the available evidence is currently insufficient to determine the role of this variant in disease. Therefore, it has been classified as a Variant of Uncertain Significance.

Literature cited by the submitters: PubMed 21148271.